The following continues an entry in ClinVar:

NM_006912.6(RIT1):c.246T>G (p.Phe82Leu)

Gene: RIT1. ClinVar aggregate classification (germline): Pathogenic/Likely pathogenic. Pathogenic (18); Likely pathogenic (2).

Submissions 9 to 22 of 22:

Victorian Clinical Genetics Services, Murdoch Childrens Research Institute
Classification: Pathogenic for Noonan syndrome 8. Last evaluated: 2023-07-17. Review status: criteria provided, single submitter. Criteria: ACMG Guidelines, 2015. Collection method: clinical testing. Allele origin: germline. Inheritance: Autosomal dominant inheritance. Affected: yes.
Comment: Based on the classification scheme VCGS_Germline_v1.3.4, this variant is classified as Pathogenic Following criteria are met: 0101 - Gain of function is a known mechanism of disease in this gene and is associated with Noonan syndrome 8 (MIM#615355). Missense variants have been functionally proven to have improved transactivation ability (PMID: 23791108). (I) 0107 - This gene is associated with autosomal dominant disease. (I) 0200 - Variant is predicted to result in a missense amino acid change from phenylalanine to leucine. (I) 0251 - This variant is heterozygous. (I) 0301 - Variant is absent from gnomAD (both v2 and v3). (SP) 0501 - Missense variant consistently predicted to be damaging by multiple in silico tools or highly conserved with a major amino acid change. (SP) 0602 - Variant is located in a hotspot region or cluster of pathogenic variants (DECIPHER). (SP) 0801 - This variant has very strong previous evidence of pathogenicity in unrelated individuals. This variant has been classified as pathogenic by multiple clinical laboratories in ClinVar and has been observed in individuals with Noonan syndrome and hydrops fetalis in the literature (PMID: 36274670). (SP) Legend: (SP) - Supporting pathogenic, (I) - Information, (SB) - Supporting benign

Petrovsky National Research Centre of Surgery, The Federal Agency for Scientific Organizations
Classification: Pathogenic for Noonan syndrome; Congenital heart disease. Last evaluated: 2023-06-16. Review status: criteria provided, single submitter. Criteria: ACMG Guidelines, 2015. Collection method: clinical testing. Allele origin: germline. Affected: yes.
Comment: This variant is absent in The Genome Aggregation Database (gnomAD) v2.1.1 and v.3.1.2 (Date of access with 16-06-2023). Clinvar contains entry on this variant (Variation ID: 181522). This variant has been reported in 9 articles with consistent phenotypes (PMID: 33258288, 30266093, 28323383, 27101134, 26757980, 26714497, 26242988, 24469055, 23791108). Alternative nucleotide changes have been described in this codon (PMID: 33190430, 27699752, 25049390, 24939608). Most in silico predictors show pathogenic result of the protein change. In accordance with ACMG(2015) criteria this variant is classified as Pathogenic (V) with following criteria selected: PS1, PS4, PM1, PM2, PM5, PP3.

Genome-Nilou Lab
Classification: Likely pathogenic for Noonan syndrome 8. Last evaluated: 2023-04-11. Review status: criteria provided, single submitter. Criteria: ACMG Guidelines, 2015. Collection method: clinical testing. Allele origin: germline. Affected: no.

GeneDx
Classification: Pathogenic. Last evaluated: 2022-03-21. Review status: criteria provided, single submitter. Criteria: GeneDx Variant Classification Process June 2021. Collection method: clinical testing. Allele origin: germline. Affected: yes.
Comment: Published functional studies demonstrate that p.(F82L) is a gain-of-function variant, which is an established mechanism of disease in the RIT1 gene (Aoki et al., 2013; Fang et al., 2016); Not observed at significant frequency in large population cohorts (gnomAD); In silico analysis supports that this missense variant has a deleterious effect on protein structure/function; This variant is associated with the following publications: (PMID: 27942422, 24803665, 27226556, 24469055, 25124994, 26242988, 27101134, 26757980, 23791108, 26714497, 24939608, 27699752, 33258288, 30266093)

Genetics and Molecular Pathology, SA Pathology
Classification: Pathogenic for Noonan syndrome 8. Last evaluated: 2021-12-13. Review status: criteria provided, single submitter. Criteria: ACMG Guidelines, 2015. Collection method: clinical testing. Allele origin: germline. Inheritance: Autosomal dominant inheritance. Affected: yes.
Comment: The RIT1 c.246T>G variant is a single nucleotide change in exon 5/6 of the RIT1 gene, which is predicted to change the amino acid phenylalanine at position 82 in the protein to leucine. This variant has been reported multiple times in the literature, including as a de novo variant and in a prenatal setting, in patients with Noonan syndrome (PS4) (PMID: 23791108; 27699752; 33190430; 30266093; 25124994). A different de novo pathogenic variant has also been reported at this same amino acid position (Phe82Val, PMID: 23791108). This variant is absent from population databases (PM2). The variant has been reported in dbSNP (rs730881014). The variant has been reported as Pathogenic by other diagnostic laboratories (ClinVar Variation ID: 181522). Computational predictions support a deleterious effect on the gene or gene product (PP3).

ARUP Laboratories, Molecular Genetics and Genomics, ARUP Laboratories
Classification: Pathogenic for Noonan syndrome 8. Last evaluated: 2021-11-30. Review status: criteria provided, single submitter. Criteria: ARUP Molecular Germline Variant Investigation Process 2021. Collection method: clinical testing. Allele origin: germline.
Comment: The RIT1 c.246T>G; p.Phe82Leu variant (rs730881014), is reported in the literature in multiple individuals affected with Noonan syndrome, including several cases in which the variant was de novo (Aoki 2013, Bertola 2014, Cave 2016, Joyce 2016, Kiel 2014, Kouz 2016, Yaoita 2016). This variant is reported as pathogenic by multiple laboratories in ClinVar (Variation ID: 181522), and is absent from general population databases (1000 Genomes Project, Exome Variant Server, and Genome Aggregation Database), indicating it is not a common polymorphism. Additionally, other variants at this codon (c.246T>A; p.Phe82Leu and p.Phe82Val/Ile/Ser) have been reported in individuals with Noonan syndrome and are considered pathogenic (Aoki 2013, Cave 2016, Kouz 2016, Yaoita 2016). The phenylalanine at codon 82 is highly conserved, and computational analyses (SIFT, PolyPhen-2) predict that this variant is deleterious. Functional analyses of the p.Phe82Leu variant protein show increased RIT1 activity (Aoki 2013, Berger 2014, Yaoita 2016), and codon 82 lies within the functionally conserved switch II domain where many pathogenic variants in RIT1 are located (Aoki 2016). Based on available information, the c.246T>G; p.Phe82Leu variant is considered to be pathogenic. References: Aoki Y et al. Gain-of-function mutations in RIT1 cause Noonan syndrome, a RAS/MAPK pathway syndrome. Am J Hum Genet. 2013 Jul 11;93(1):173-80. Aoki Y et al. Recent advances in RASopathies. J Hum Genet. 2016 Jan;61(1):33-9. Berger AH et al. Oncogenic RIT1 mutations in lung adenocarcinoma. Oncogene. 2014 Aug 28;33(35):4418-23. Bertola DR et al. Further evidence of the importance of RIT1 in Noonan syndrome. Am J Med Genet A. 2014 Nov;164A(11):2952-7. Cave H et al. Mutations in RIT1 cause Noonan syndrome with possible juvenile myelomonocytic leukemia but are not involved in acute lymphoblastic leukemia. Eur J Hum Genet. 2016 Aug;24(8):1124-31. Joyce S et al. The lymphatic phenotype in Noonan and Cardiofaciocutaneous syndrome. Eur J Hum Genet. 2016 May;24(5):690-6. Kiel C and Serrano L. Structure-energy-based predictions and network modelling of RASopathy and cancer missense mutations. Mol Syst Biol. 2014 May 6;10:727. Kouz K et al. Genotype and phenotype in patients with Noonan syndrome and a RIT1 mutation. Genet Med. 2016 Dec;18(12):1226-1234. Yaoita M et al. Spectrum of mutations and genotype-phenotype analysis in Noonan syndrome patients with RIT1 mutations. Hum Genet. 2016 Feb;135(2):209-22.

Institute of Medical Genetics and Applied Genomics, University Hospital Tübingen
Classification: Pathogenic. Last evaluated: 2021-06-17. Review status: criteria provided, single submitter. Criteria: ACMG Guidelines, 2015. Collection method: clinical testing. Allele origin: germline. Inheritance: Autosomal dominant inheritance. Affected: yes.

Women's Health and Genetics/Laboratory Corporation of America, LabCorp
Classification: Pathogenic for Rasopathy. Last evaluated: 2020-08-24. Review status: criteria provided, single submitter. Criteria: LabCorp Variant Classification Summary - May 2015. Collection method: clinical testing. Allele origin: germline.
Comment: Variant summary: RIT1 c.246T>G (p.Phe82Leu) results in a non-conservative amino acid change located in the Small GTP-binding protein domain (IPR005225) of the encoded protein sequence. Four of five in-silico tools predict a damaging effect of the variant on protein function. The variant was absent in 250842 control chromosomes (gnomAD). c.246T>G has been reported in the literature in multiple individuals affected with Noonan Syndrome. In addition, the variant was reported as de novo in several patients (Aoki_2013, Bertola_2014, Joyce_2015, Kouz_2016, Yaoita_2016). These data indicate that the variant is very likely to be associated with disease. Moreover, variants in the same residue (F82S, F82V) were found in individuals affected with Noonan Syndrome (Aoki_2013, Kouz_2016) and nearby residues (p.A77P/S/T, p.E81G, p.T83P, p.A84V) have been reported in HGMD in association with Noonan Syndrome, supporting the functional importance of this residue and region of the protein. Functional studies report this variant has an impact on protein function and results in increased RIT1 activity in cells (Aoki_2013, Berger_2014). Six ClinVar submitters (evaluation after 2014) cite the variant as pathogenic. Based on the evidence outlined above, the variant was classified as pathogenic.

Genomic Medicine Lab, University of California San Francisco
Classification: Pathogenic for Non-immune hydrops fetalis. Last evaluated: 2019-08-22. Review status: criteria provided, single submitter. Criteria: ACMG Guidelines, 2015. Collection method: clinical testing. Allele origin: de novo. Inheritance: Autosomal dominant inheritance. Affected: yes. Study: CSER-P3EGS.

Fulgent Genetics
Classification: Pathogenic for Noonan syndrome 8. Last evaluated: 2018-10-31. Review status: criteria provided, single submitter. Criteria: ACMG Guidelines, 2015. Collection method: clinical testing. Allele origin: unknown.

Genome Diagnostics Laboratory, The Hospital for Sick Children
Classification: Likely pathogenic for Noonan syndrome and Noonan-related syndrome. Last evaluated: 2017-01-05. Review status: criteria provided, single submitter. Criteria: ACMG Guidelines, 2015. Collection method: clinical testing. Allele origin: germline. Affected: yes.

Juno Genomics, Hangzhou Juno Genomics, Inc
Classification: Pathogenic for Noonan syndrome 8. Review status: criteria provided, single submitter. Criteria: ACMG Guidelines, 2015. Collection method: clinical testing. Allele origin: germline. Affected: yes.
Comment: Absent from controls (or at extremely low frequency if recessive) in Genome Aggregation Database.;The prevalence of the variant in affected individuals is significantly increased compared to the prevalence in controls.;Assumed de novo, but without confirmation of paternity and maternity.;Same amino acid change as a previously established pathogenic variant regardless of nucleotide change.;Well-established in vitro or in vivo functional studies supportive of a damaging effect on the gene or gene product.;Located in a mutational hot spot and/or critical and well-established functional domain without benign variation.

OMIM
Classification: Pathogenic for NOONAN SYNDROME 8. Last evaluated: 2013-07-11. Review status: no assertion criteria provided. Collection method: literature only. Allele origin: germline. Not counted in ClinVar's aggregate classification.

Service de Génétique Moléculaire, Hôpital Robert Debré
Classification: Pathogenic for Noonan's syndrome. Review status: no assertion criteria provided. Criteria: clinical testing. Collection method: clinical testing. Allele origin: de novo. Affected: yes. Observed: 2 variant alleles. Not counted in ClinVar's aggregate classification.

Literature cited by the submitters: PubMed 23791108 (cited by 7 submitters); PubMed 25124994 (cited by 3 submitters); PubMed 26242988 (cited by 4 submitters); PubMed 26714497 (cited by 3 submitters); PubMed 26757980 (cited by Labcorp Genetics (formerly Invitae), Labcorp and Petrovsky National Research Centre of Surgery, The Federal Agency for Scientific Organizations); PubMed 27101134 (cited by 3 submitters); PubMed 24469055 (cited by 3 submitters); PubMed 25049390 (cited by Labcorp Genetics (formerly Invitae), Labcorp and Petrovsky National Research Centre of Surgery, The Federal Agency for Scientific Organizations); PubMed 26446362 (cited by Labcorp Genetics (formerly Invitae), Labcorp); PubMed 36274670 (cited by Victorian Clinical Genetics Services, Murdoch Childrens Research Institute); PubMed 33258288 (cited by Petrovsky National Research Centre of Surgery, The Federal Agency for Scientific Organizations); PubMed 30266093 (cited by Petrovsky National Research Centre of Surgery, The Federal Agency for Scientific Organizations); PubMed 28323383 (cited by Petrovsky National Research Centre of Surgery, The Federal Agency for Scientific Organizations); PubMed 33190430 (cited by Petrovsky National Research Centre of Surgery, The Federal Agency for Scientific Organizations); PubMed 27699752 (cited by Petrovsky National Research Centre of Surgery, The Federal Agency for Scientific Organizations); PubMed 24939608 (cited by Petrovsky National Research Centre of Surgery, The Federal Agency for Scientific Organizations).